The following is an entry in ClinVar:

NM_001012339.3(DNAJC21):c.990G>C (p.Lys330Asn)

Gene: DNAJC21 (DnaJ heat shock protein family (Hsp40) member C21; plus strand). Cytogenetic location: 5p13.2.
Variant type: single nucleotide variant.
Coding change: c.990G>C on transcript NM_001012339.3 (MANE Select); coding-DNA position 990, G replaced by C.
Protein change: p.Lys330Asn; replaces lysine 330 with asparagine.
Molecular consequence: missense variant.
Genome position (GRCh38, 1-based): chr5:34,944,873, G>C. VCF-style: chr5-34944873-G-C. GRCh37 (hg19) VCF-style: chr5-34944978-G-C.
Other names: c.990G>C, p.Lys330Asn (NM_001348420.2, NM_194283.4); short protein forms K330N.
Identifiers: ClinVar variation 1936653 (VCV001936653.5), dbSNP rs140649442, ClinGen allele CA3228673.

ClinVar aggregate classification (germline): Uncertain significance (1 of 4 stars; one submission).

gnomAD v4.1: 18 of 1,613,982 alleles (0.0011%); highest among the groups gnomAD compares: Admixed American, 0.0017%; no homozygotes.

Submission:

Labcorp Genetics (formerly Invitae), Labcorp
Classification: Uncertain significance. Last evaluated: 2022-04-07. Review status: criteria provided, single submitter. Criteria: Invitae Variant Classification Sherloc (09022015). Collection method: clinical testing. Allele origin: germline.
Comment: In summary, the available evidence is currently insufficient to determine the role of this variant in disease. Therefore, it has been classified as a Variant of Uncertain Significance. Algorithms developed to predict the effect of missense changes on protein structure and function are either unavailable or do not agree on the potential impact of this missense change (SIFT: "Tolerated"; PolyPhen-2: "Possibly Damaging"; Align-GVGD: "Class C0"). This variant has not been reported in the literature in individuals affected with DNAJC21-related conditions. This variant is present in population databases (rs140649442, gnomAD 0.006%). This sequence change replaces lysine, which is basic and polar, with asparagine, which is neutral and polar, at codon 330 of the DNAJC21 protein (p.Lys330Asn).